The following is an entry in ClinVar:

NM_001917.5(DAO):c.112C>T (p.Arg38Cys)

Gene: DAO (D-amino acid oxidase; plus strand). Cytogenetic location: 12q24.11.
Variant type: single nucleotide variant.
Coding change: c.112C>T on transcript NM_001917.5 (MANE Select); coding-DNA position 112, C replaced by T.
Protein change: p.Arg38Cys; replaces arginine 38 with cysteine.
Molecular consequence: missense variant.
Genome position (GRCh38, 1-based): chr12:108,885,118, C>T. VCF-style: chr12-108885118-C-T. GRCh37 (hg19) VCF-style: chr12-109278894-C-T.
Other names: c.112C>T, p.Arg38Cys (NM_001413634.1, NM_001413635.1); short protein forms R38C.
Identifiers: ClinVar variation 3358189 (VCV003358189.1).

ClinVar aggregate classification (germline): Uncertain significance (0 of 4 stars; one submission).

Conditions:
DAO-related disorder. Also called: DAO-related condition.

Submission:

PreventionGenetics, part of Exact Sciences
Classification: Uncertain significance for DAO-related condition. Last evaluated: 2023-12-18. Review status: no assertion criteria provided. Collection method: clinical testing. Allele origin: germline.
Comment: The DAO c.112C>T variant is predicted to result in the amino acid substitution p.Arg38Cys. To our knowledge, this variant has not been reported in the literature. This variant is reported in 0.0098% of alleles in individuals of South Asian descent in gnomAD. At this time, the clinical significance of this variant is uncertain due to the absence of conclusive functional and genetic evidence.